The following is an entry in ClinVar:

NM_024753.5(TTC21B):c.1048G>A (p.Ala350Thr)

Gene: TTC21B (tetratricopeptide repeat domain 21B; minus strand). Cytogenetic location: 2q24.3.
Variant type: single nucleotide variant.
Coding change: c.1048G>A on transcript NM_024753.5 (MANE Select); coding-DNA position 1048, G replaced by A.
Protein change: p.Ala350Thr; replaces alanine 350 with threonine.
Molecular consequence: missense variant.
Genome position (GRCh38, 1-based): chr2:165,930,211, C>T on the plus strand (G>A on the coding strand, the complement: TTC21B is on the minus strand). VCF-style: chr2-165930211-C-T. GRCh37 (hg19) VCF-style: chr2-166786721-C-T.
Other names: c.1048G>A (NM_024753.4); short protein forms A350T.
Identifiers: ClinVar variation 1045134 (VCV001045134.10), dbSNP rs752711108, ClinGen allele CA1942257.

ClinVar aggregate classification (germline): Uncertain significance. Review status: criteria provided, multiple submitters, no conflicts (2 of 4 stars). 3 submissions from 3 submitters: Uncertain significance (3). Last evaluated 2026-07-13.

Conditions:
TTC21B-related disorder. Also called: TTC21B-related condition; TTC21B-related disorders.
Jeune thoracic dystrophy. Also called: Short-rib thoracic dysplasia; Jeune syndrome; Infantile thoracic dystrophy; Thoracic pelvic phalangeal dystrophy; Jeune's syndrome; Chondroectodermal dysplasia-like syndrome. Identifiers: Orphanet 474, MedGen C0265275, MONDO:0018770.
Nephronophthisis. Also called: Juvenile Nephronophthisis. Identifiers: Orphanet 655, MedGen C0687120, MONDO:0019005, HP:0000090.

Allele frequency attached by ClinVar (database versions not stated): TOPMed 0.00002.
gnomAD v4.1: 27 of 1,613,032 alleles (0.0017%); highest among the groups gnomAD compares: Middle Eastern, 0.033%; no homozygotes.

Submissions (3):

PreventionGenetics, part of Exact Sciences
Classification: Uncertain significance for TTC21B-related condition. Last evaluated: 2026-07-13. Review status: criteria provided, single submitter. Criteria: ACMG Guidelines, 2015. Collection method: clinical testing. Allele origin: germline.
Comment: The TTC21B c.1048G>A variant is predicted to result in the amino acid substitution p.Ala350Thr. This variant was reported along with a second TTC21B variant in three related individuals with nephronophthisis (Supplementary Table in Petzold et al. 2023. PubMed ID: 37230223). This variant is reported in 0.0062% of alleles in individuals of African descent in gnomAD. At this time, the clinical significance of this variant is uncertain due to the absence of conclusive functional and genetic evidence.

GeneDx
Classification: Uncertain significance. Last evaluated: 2026-04-06. Review status: criteria provided, single submitter. Criteria: GeneDx Variant Classification Process June 2021. Collection method: clinical testing. Allele origin: germline.
Comment: Not observed at significant frequency in large population cohorts (gnomAD); In silico analysis supports that this missense variant has a deleterious effect on protein structure/function; This variant is associated with the following publications: (PMID: 37230223)

Labcorp Genetics (formerly Invitae), Labcorp
Classification: Uncertain significance for Jeune thoracic dystrophy; Nephronophthisis. Last evaluated: 2025-09-02. Review status: criteria provided, single submitter. Criteria: Invitae Variant Classification Sherloc (09022015). Collection method: clinical testing. Allele origin: germline.
Comment: This sequence change replaces alanine, which is neutral and non-polar, with threonine, which is neutral and polar, at codon 350 of the TTC21B protein (p.Ala350Thr). This variant is present in population databases (rs752711108, gnomAD 0.007%). This missense change has been observed in individual(s) with nephronophthisis (PMID: 37230223). ClinVar contains an entry for this variant (Variation ID: 1045134). Invitae Evidence Modeling of protein sequence and biophysical properties (such as structural, functional, and spatial information, amino acid conservation, physicochemical variation, residue mobility, and thermodynamic stability) indicates that this missense variant is not expected to disrupt TTC21B protein function with a negative predictive value of 95%. In summary, the available evidence is currently insufficient to determine the role of this variant in disease. Therefore, it has been classified as a Variant of Uncertain Significance.

Literature cited by the submitters: PubMed 37230223 (cited by Labcorp Genetics (formerly Invitae), Labcorp).